The following is an entry in ClinVar:

NM_015046.7(SETX):c.3571A>G (p.Arg1191Gly)

Gene: SETX (senataxin; minus strand). Cytogenetic location: 9q34.13.
Variant type: single nucleotide variant.
Coding change: c.3571A>G on transcript NM_015046.7 (MANE Select); coding-DNA position 3571, A replaced by G.
Protein change: p.Arg1191Gly; replaces arginine 1191 with glycine.
Molecular consequence: missense variant.
Genome position (GRCh38, 1-based): chr9:132,328,027, T>C on the plus strand (A>G on the coding strand, the complement: SETX is on the minus strand). VCF-style: chr9-132328027-T-C. GRCh37 (hg19) VCF-style: chr9-135203414-T-C.
Other names: c.3571A>G, p.Arg1191Gly (NM_001351527.2, NM_001351528.2); short protein forms R1191G.
Identifiers: ClinVar variation 3762576 (VCV003762576.2).
Genomic context (GRCh38, chr9:132,328,027, plus strand): 5'-GTGAATTGGGAGTTGAAGTCCTTCTATCAATACTTTTAAAATCATTTCCCACAAGATCTC[T>C]CTTATTAGTATCAGACTGGCCCTCATTTCTGACAGAAGATGAAGGCCTCACAGGATCTTC-3'
Protein context (NP_055861.3, residues 1181-1201): RNEGQSDTNK[Arg1191Gly]DLVGNDFKSI

ClinVar aggregate classification (germline): Uncertain significance (1 of 4 stars; one submission).

Conditions:
Spinocerebellar ataxia, autosomal recessive, with axonal neuropathy 2 (SCAN2). Also called: Ataxia-ocular apraxia-2; ATAXIA-OCULOMOTOR APRAXIA 2; Ataxia with Oculomotor Apraxia; Ataxia with Oculomotor Apraxia Type 2. Identifiers: Orphanet 64753, MedGen C1853761, MONDO:0018996, OMIM 606002.
Amyotrophic lateral sclerosis type 4 (ALS4). Also called: AMYOTROPHIC LATERAL SCLEROSIS 4, JUVENILE; NEURONOPATHY, DISTAL HEREDITARY MOTOR, WITH PYRAMIDAL FEATURES. Identifiers: Orphanet 357043, MedGen C1865409, MONDO:0011223, OMIM 602433.

gnomAD v4.1: 1 of 1,614,102 alleles (0.000062%); highest among the groups gnomAD compares: Non-Finnish European, 0.000085%; no homozygotes.

Submission:

Labcorp Genetics (formerly Invitae), Labcorp
Classification: Uncertain significance for Amyotrophic lateral sclerosis type 4; Spinocerebellar ataxia, autosomal recessive, with axonal neuropathy 2. Last evaluated: 2024-10-15. Review status: criteria provided, single submitter. Criteria: Invitae Variant Classification Sherloc (09022015). Collection method: clinical testing. Allele origin: germline.
Comment: This sequence change replaces arginine, which is basic and polar, with glycine, which is neutral and non-polar, at codon 1191 of the SETX protein (p.Arg1191Gly). This variant is not present in population databases (gnomAD no frequency). This variant has not been reported in the literature in individuals affected with SETX-related conditions. Invitae Evidence Modeling of protein sequence and biophysical properties (such as structural, functional, and spatial information, amino acid conservation, physicochemical variation, residue mobility, and thermodynamic stability) indicates that this missense variant is not expected to disrupt SETX protein function with a negative predictive value of 95%. In summary, the available evidence is currently insufficient to determine the role of this variant in disease. Therefore, it has been classified as a Variant of Uncertain Significance.